The following is an entry in ClinVar:

NM_032043.3(BRIP1):c.1517C>A (p.Pro506Gln)

Gene: BRIP1 (BRCA1 interacting DNA helicase 1; minus strand). Cytogenetic location: 17q23.2.
Variant type: single nucleotide variant.
Coding change: c.1517C>A on transcript NM_032043.3 (MANE Select); coding-DNA position 1517, C replaced by A.
Protein change: p.Pro506Gln; replaces proline 506 with glutamine.
Molecular consequence: missense variant.
Genome position (GRCh38, 1-based): chr17:61,784,381, G>T on the plus strand (C>A on the coding strand, the complement: BRIP1 is on the minus strand). VCF-style: chr17-61784381-G-T. GRCh37 (hg19) VCF-style: chr17-59861742-G-T.
Other names: short protein forms P506Q.
Identifiers: ClinVar variation 1009222 (VCV001009222.9), dbSNP rs2077671171, ClinGen allele CA400481336.

ClinVar aggregate classification (germline): Uncertain significance (1 of 4 stars; one submission).

Conditions:
Familial cancer of breast. Also called: hereditary breast carcinoma; BREAST CANCER, FAMILIAL; Hereditary breast cancer. Identifiers: Orphanet 227535, MedGen C0346153, MONDO:0016419, OMIM 114480. Disease mechanism: loss of function.
Fanconi anemia complementation group J. Also called: BRIP1-Related Fanconi Anemia. Identifiers: Orphanet 84, MedGen C1836860, MONDO:0012187, OMIM 609054.

Submission:

Labcorp Genetics (formerly Invitae), Labcorp
Classification: Uncertain significance for Familial cancer of breast; Fanconi anemia complementation group J. Last evaluated: 2020-10-08. Review status: criteria provided, single submitter. Criteria: Invitae Variant Classification Sherloc (09022015). Collection method: clinical testing. Allele origin: germline.
Comment: In summary, the available evidence is currently insufficient to determine the role of this variant in disease. Therefore, it has been classified as a Variant of Uncertain Significance. Algorithms developed to predict the effect of missense changes on protein structure and function output the following: SIFT: "Tolerated"; PolyPhen-2: "Benign"; Align-GVGD: "Class C0". The glutamine amino acid residue is found in multiple mammalian species, suggesting that this missense change does not adversely affect protein function. These predictions have not been confirmed by published functional studies and their clinical significance is uncertain. This variant has not been reported in the literature in individuals with BRIP1-related conditions. This variant is not present in population databases (ExAC no frequency). This sequence change replaces proline with glutamine at codon 506 of the BRIP1 protein (p.Pro506Gln). The proline residue is weakly conserved and there is a moderate physicochemical difference between proline and glutamine.